The following is an entry in ClinVar:

ClinVar aggregate classification (germline): Likely pathogenic. Review status: criteria provided, multiple submitters, no conflicts (2 of 4 stars). 2 submissions from 2 submitters: Likely pathogenic (2). Last evaluated 2025-12-02.

Conditions:
Retinal dystrophy. Also called: Inherited retinal dystrophy. Identifiers: Orphanet 71862, MedGen C0854723, MeSH D058499, MONDO:0019118, HP:0000556.
SCLT1-related disorder. Also called: SCLT1-related condition.

Submissions (2):

3billion
Classification: Likely pathogenic for SCLT1-related disorder. Last evaluated: 2025-12-02. Review status: criteria provided, single submitter. Criteria: ACMG Guidelines, 2015. Collection method: clinical testing. Allele origin: germline. Affected: yes.
Comment: The variant is not observed in the gnomAD v4.1.0 dataset. Predicted Consequence/Location: Inframe deletion located in a nonrepeat region: predicted to change the length of the protein and disrupt normal protein function. In silico tools predict the variant to alter splicing and produce an abnormal transcript [SpliceAI: 0.64 (>=0.2, moderate evidence for spliceogenicity)]. The variant has been reported to be associated with SCLT1-related disorder (ClinVar ID: VCV004526653 /PMID: 37644014). Therefore, this variant is classified as Likely pathogenic according to the recommendation of ACMG/AMP guideline.

Ocular Genomics Institute, Massachusetts Eye and Ear
Classification: Likely pathogenic for Retinal dystrophy. Last evaluated: 2025-06-06. Review status: criteria provided, single submitter. Criteria: ACMG Guidelines, 2015. Collection method: research, in vitro. Allele origin: germline, not applicable. Affected: yes. Observed: 2 variant alleles. Functional consequence: splicing variant.
Comment: The NM_144643.4 c.778_780del p.(Glu260del) is a single amino acid deletion variant in SCLT1. Functional studies performed by our group confirmed the in-frame deletion and detected skipping of exon 11 for this variant, likely leading to an absent or disrupted protein product (PS3). This variant was found for the first time in two siblings with non-syndromic retinal degeneration. This variant is absent in GnomADv4 (PM2), it cosegregates with disease in multiple affected family members in a gene known to cause disease (PP1). The variant is located in a well-established functional domain (PM1), and it changes the protein lenght as a result of an in-frame one amino-acid deletion (PM4).

Literature cited by the submitters: PubMed 37644014 (cited by 3billion).

NM_144643.4(SCLT1):c.778_780del

Gene: SCLT1 (sodium channel and clathrin linker 1; minus strand). Cytogenetic location: 4q28.2.
Variant type: Deletion.
Coding change: c.778_780del on transcript NM_144643.4 (MANE Select); coding-DNA positions 778 to 780, 3 bases deleted (GAG; older notation c.778_780delGAG).
Molecular consequence: splice acceptor variant.
Genome position (GRCh38, 1-based): chr4:128,965,316-128,965,318, CTC deleted on the plus strand (GAG on the coding strand, the reverse complement: SCLT1 is on the minus strand); deleting any 3 consecutive bases within chr4:128,965,316-128,965,320 gives the same sequence; the c. name uses the placement nearest the transcript's 3' end. VCF-style (leftmost placement, unchanged base first): chr4-128965315-TCTC-T. GRCh37 (hg19) VCF-style: chr4-129886470-TCTC-T.
Identifiers: ClinVar variation 4526653 (VCV004526653.2).